The following is an entry in ClinVar:

NM_001394062.1(MACF1):c.14866C>T (p.Arg4956Cys)

Genes: MACF1 (microtubule actin crosslinking factor 1; plus strand), LOC114803468 (MACF1 eExon liver enhancer; plus strand). Cytogenetic location: 1p34.3.
Variant type: single nucleotide variant.
Coding change: c.14866C>T on transcript NM_001394062.1 (MANE Select); coding-DNA position 14866, C replaced by T.
Protein change: p.Arg4956Cys; replaces arginine 4956 with cysteine.
Molecular consequence: missense variant.
Genome position (GRCh38, 1-based): chr1:39,387,708, C>T. VCF-style: chr1-39387708-C-T. GRCh37 (hg19) VCF-style: chr1-39853380-C-T.
Other names: c.8680C>T, p.Arg2894Cys (NM_012090.5); short protein forms R2894C, R4956C.
Identifiers: ClinVar variation 2465470 (VCV002465470.13), dbSNP rs549199397, ClinGen allele CA782316.

ClinVar aggregate classification (germline): Likely benign. Review status: criteria provided, multiple submitters, no conflicts (2 of 4 stars). 4 submissions from 4 submitters: Likely benign (4). Last evaluated 2025-11-05.

Conditions:
MACF1-related disorder. Also called: MACF1-related condition.
Inborn genetic diseases. Identifiers: MedGen C0950123, MeSH D030342.

Allele frequency attached by ClinVar (database versions not stated): TOPMed 0.00007; gnomAD 0.00009; gnomAD exomes 0.00010; ExAC 0.00013; 1000 Genomes Project 30x 0.00016; 1000 Genomes Project 0.00020.
gnomAD v4.1: 167 of 1,614,096 alleles (0.01%); highest among the groups gnomAD compares: South Asian, 0.099%; no homozygotes.

Submissions (4):

PreventionGenetics, part of Exact Sciences
Classification: Likely benign for MACF1-related condition. Last evaluated: 2025-11-05. Review status: criteria provided, single submitter. Criteria: ACMG Guidelines, 2015. Collection method: clinical testing. Allele origin: germline.
Comment: This variant is classified as likely benign based on ACMG/AMP sequence variant interpretation guidelines (Richards et al. 2015 PMID: 25741868, with internal and published modifications).

CeGaT Center for Human Genetics Tuebingen
Classification: Likely benign. Last evaluated: 2025-09-01. Review status: criteria provided, single submitter. Criteria: CeGaT Center For Human Genetics Tuebingen Variant Classification Criteria Version 2. Collection method: clinical testing. Allele origin: germline. Affected: yes. Observed: 1 variant allele.
Comment: MACF1: BP4

Labcorp Genetics (formerly Invitae), Labcorp
Classification: Likely benign. Last evaluated: 2025-03-27. Review status: criteria provided, single submitter. Criteria: Invitae Variant Classification Sherloc (09022015). Collection method: clinical testing. Allele origin: germline.

Ambry Genetics
Classification: Likely benign for Inborn genetic diseases. Last evaluated: 2023-01-20. Review status: criteria provided, single submitter. Criteria: Ambry Variant Classification Scheme 2023. Collection method: clinical testing. Allele origin: germline.